The following is an entry in ClinVar:

ClinVar aggregate classification (germline): Pathogenic/Likely pathogenic. Review status: criteria provided, multiple submitters, no conflicts (2 of 4 stars). 5 submissions from 5 submitters: Pathogenic (4); Likely pathogenic (1). Last evaluated 2025-12-29.
ClinVar aggregate classification (oncogenicity): Likely oncogenic (1 of 4 stars; one submission).

Conditions:
Houge-Janssens syndrome 2. Also called: Microcephaly-corpus callosum hypoplasia-intellectual disability-facial dysmorphism syndrome; INTELLECTUAL DEVELOPMENTAL DISORDER, AUTOSOMAL DOMINANT 36; PPP2R1A-Related Neurodevelopmental Disorder. Identifiers: Orphanet 457284, MedGen C4225352, MONDO:0014605, OMIM 616362.
Intellectual disability. Also called: intellectual disabilities; Intellectual functioning disability; Intellectual developmental disorder. Identifiers: MedGen C3714756, MeSH D008607, MONDO:0001071, HP:0001249.
Neoplasm. Also called: tumor; Neoplasms; Neoplasm (disease). Identifiers: MedGen C0027651, MeSH D009369, MONDO:0005070, HP:0002664.

Submissions (6):

Center for Genomic Medicine, Rigshospitalet, Copenhagen University Hospital
Classification: Likely oncogenic for Neoplasm. Last evaluated: 2026-10-16. Review status: criteria provided, single submitter. Criteria: ClinGen/CGC/VICC Guidelines for Oncogenicity, 2022. Collection method: clinical testing. Allele origin: somatic. Affected: yes.

GeneDx
Classification: Pathogenic. Last evaluated: 2025-12-29. Review status: criteria provided, single submitter. Criteria: GeneDx Variant Classification Process June 2021. Collection method: clinical testing. Allele origin: germline. Affected: yes.
Comment: Not observed at significant frequency in large population cohorts (gnomAD); In silico analysis supports that this missense variant has a deleterious effect on protein structure/function; This variant is associated with the following publications: (PMID: 40781915, 21381030, 23267135, 21435433, 26619011, 31687265, 35584285, 36209351, 33057194, 35982159, 34958143, 39039281, 39117575)

Labcorp Genetics (formerly Invitae), Labcorp
Classification: Pathogenic. Last evaluated: 2025-03-09. Review status: criteria provided, single submitter. Criteria: Invitae Variant Classification Sherloc (09022015). Collection method: clinical testing. Allele origin: germline.
Comment: This sequence change replaces arginine, which is basic and polar, with glutamine, which is neutral and polar, at codon 183 of the PPP2R1A protein (p.Arg183Gln). This variant is not present in population databases (gnomAD no frequency). This missense change has been observed in individual(s) with clinical features of PPP2R1A-related intellectual disability (PMID: 31687265; internal data). In at least one individual the variant was observed to be de novo. ClinVar contains an entry for this variant (Variation ID: 376506). Invitae Evidence Modeling of protein sequence and biophysical properties (such as structural, functional, and spatial information, amino acid conservation, physicochemical variation, residue mobility, and thermodynamic stability) indicates that this missense variant is expected to disrupt PPP2R1A protein function with a positive predictive value of 80%. For these reasons, this variant has been classified as Pathogenic.

CENTOGENE GmbH and LLC - Guiding Precision Medicine
Classification: Pathogenic for Houge-Janssens syndrome 2. Last evaluated: 2024-11-01. Review status: criteria provided, single submitter. Criteria: ACMG Guidelines, 2015. Collection method: clinical testing. Allele origin: germline. Inheritance: Autosomal dominant inheritance. Affected: yes.

ARUP Laboratories, Molecular Genetics and Genomics, ARUP Laboratories
Classification: Pathogenic for Houge-Janssens syndrome 2. Last evaluated: 2024-03-02. Review status: criteria provided, single submitter. Criteria: ARUP Molecular Germline Variant Investigation Process 2024. Collection method: clinical testing. Allele origin: germline.
Comment: The PPP2R1A c.548G>A; p.Arg183Gln variant (rs1057519947; ClinVar Variation ID: 376506) is reported in the literature in multiple individuals affected with clinical findings suggestive of Houge-Janssens syndrome 2 (HJS2; Baker 2022, Gabriel 2022, Wallace 2019, Xing 2022). This variant is absent from the Genome Aggregation Database (v2.1.1), indicating it is not a common polymorphism. Computational analyses are uncertain whether this variant is neutral or deleterious (REVEL: 0.306). This variant is located in the 5th HEAT domain of PPP2R1A critical for binding to the B subunit of PP2A. Functional studies of this variant suggest a dominant negative effect, with evidence of increased tumor growth and hyperphosphorylation of PPA2 signaling substrates GSK, ATK, and mTOR in endometrial cancer cell lines (Haesen 2016). Furthermore, a different missense variant at this codon, p.Arg183Trp, and a nearby codon, p.Arg182Trp, are also considered pathogenic for HJS2 (Lei 2023 and Lenaerts 2021). Based on the available information, the p.Arg183Gln variant is considered pathogenic. References: Baker EK et al. PPP2R1A neurodevelopmental disorder is associated with congenital heart defects. Am J Med Genet A. 2022 Nov;188(11):3262-3277. PMID: 36209351. Gabriel H et al. Trio exome sequencing is highly relevant in prenatal diagnostics. Prenat Diagn. 2022 Jun;42(7):845-851. PMID: 34958143 Haesen D et al. Recurrent PPP2R1A Mutations in Uterine Cancer Act through a Dominant-Negative Mechanism to Promote Malignant Cell Growth. Cancer Res. 2016 Oct 1;76(19):5719-5731. PMID: 27485451. Lei T et al. Prenatal Diagnosis of PPP2R1A-Related Neurodevelopmental Disorders Using Whole Exome Sequencing: Clinical Report and Review of Literature. Genes (Basel). 2023 Jan 2;14(1):126. PMID: 36672867 Lenaerts L et al. The broad phenotypic spectrum of PPP2R1A-related neurodevelopmental disorders correlates with the degree of biochemical dysfunction. Genet Med. 2021 Feb;23(2):352-362. PMID: 33106617 Wallace A et al. A Newborn with Severe Ventriculomegaly: Expanding the PPP2R1A Gene Mutation Phenotype. J Pediatr Genet. 2019 Dec;8(4):240-243. PMID: 31687265 Xing Y et al. Prenatal diagnosis for fetuses with isolated and non-isolated congenital heart defects using chromosomal microarray and exome sequencing. Prenat Diagn. 2022 Jun;42(7):873-880. PMID: 35584285.

Institute of Human Genetics, University of Leipzig Medical Center
Classification: Likely pathogenic for Houge-Janssens syndrome 2. Last evaluated: 2019-01-01. Review status: criteria provided, single submitter. Criteria: ACMG Guidelines, 2015. Collection method: clinical testing. Allele origin: unknown. Affected: yes.

Literature cited by the submitters: PubMed 31687265 (cited by Labcorp Genetics (formerly Invitae), Labcorp).

NM_014225.6(PPP2R1A):c.548G>A (p.Arg183Gln)

Gene: PPP2R1A (protein phosphatase 2 scaffold subunit Aalpha; plus strand). Cytogenetic location: 19q13.41.
Variant type: single nucleotide variant.
Coding change: c.548G>A on transcript NM_014225.6 (MANE Select); coding-DNA position 548, G replaced by A.
Protein change: p.Arg183Gln; replaces arginine 183 with glutamine.
Molecular consequence: missense variant. On other transcripts: non-coding transcript variant (1).
Genome position (GRCh38, 1-based): chr19:52,212,730, G>A. VCF-style: chr19-52212730-G-A. GRCh37 (hg19) VCF-style: chr19-52715983-G-A.
Other names: c.11G>A, p.Arg4Gln (NM_001363656.2); short protein forms R183Q, R4Q.
Identifiers: ClinVar variation 376506 (VCV000376506.22), dbSNP rs1057519947, ClinGen allele CA16602938.